The following is an entry in ClinVar:

NM_001184.4(ATR):c.5329G>T (p.Ala1777Ser)

Gene: ATR (ATR checkpoint kinase; minus strand). Cytogenetic location: 3q23.
Variant type: single nucleotide variant.
Coding change: c.5329G>T on transcript NM_001184.4 (MANE Select); coding-DNA position 5329, G replaced by T.
Protein change: p.Ala1777Ser; replaces alanine 1777 with serine.
Molecular consequence: missense variant.
Genome position (GRCh38, 1-based): chr3:142,499,678, C>A on the plus strand (G>T on the coding strand, the complement: ATR is on the minus strand). VCF-style: chr3-142499678-C-A. GRCh37 (hg19) VCF-style: chr3-142218520-C-A.
Other names: c.5137G>T, p.Ala1713Ser (NM_001354579.2); short protein forms A1713S, A1777S.
Identifiers: ClinVar variation 1746860 (VCV001746860.2), dbSNP rs2473169811, ClinGen allele CA354817046.

ClinVar aggregate classification (germline): Uncertain significance (1 of 4 stars; one submission).

Conditions:
Inborn genetic diseases. Identifiers: MedGen C0950123, MeSH D030342.

Submission:

Ambry Genetics
Classification: Uncertain significance for Inborn genetic diseases. Last evaluated: 2021-08-08. Review status: criteria provided, single submitter. Criteria: Ambry Variant Classification Scheme 2023. Collection method: clinical testing. Allele origin: germline.
Comment: The p.A1777S variant (also known as c.5329G>T), located in coding exon 31 of the ATR gene, results from a G to T substitution at nucleotide position 5329. The alanine at codon 1777 is replaced by serine, an amino acid with similar properties. This amino acid position is conserved. In addition, the in silico prediction for this alteration is inconclusive. Since supporting evidence is limited at this time, the clinical significance of this alteration remains unclear.